The following is an entry in ClinVar:

NM_001377.3(DYNC2H1):c.3774del (p.Thr1259fs)

Gene: DYNC2H1 (dynein cytoplasmic 2 heavy chain 1; plus strand). Cytogenetic location: 11q22.3.
Variant type: Deletion.
Coding change: c.3774del on transcript NM_001377.3 (MANE Select); coding-DNA position 3774, one base deleted (T; older notation c.3774delT).
Protein change: p.Thr1259fs; shifts the reading frame from threonine 1259.
Molecular consequence: frameshift variant.
Genome position (GRCh38, 1-based): chr11:103,156,417, T deleted; the last of 2 consecutive T bases (chr11:103,156,416-103,156,417); deleting either gives the same sequence. VCF-style (leftmost placement, unchanged base first): chr11-103156415-GT-G. GRCh37 (hg19) VCF-style: chr11-103027144-GT-G.
Other names: c.3774del, p.Thr1259fs (NM_001080463.2); short protein forms T1259fs.
Identifiers: ClinVar variation 5015182 (VCV005015182.1).
Genomic context (GRCh38, chr11:103,156,415, plus strand): 5'-AAGTAATAAACATGGATATTTTGTGTTAAATAGGATTTAAATAGTCGGGCACAAGGTGAA[GT>G]TACAATCAGAGAAGCTTTACGTGAACTTGATCTTTGGGGAGTTGGAGCAGTGTTTACATT-3'

ClinVar aggregate classification (germline): Pathogenic (1 of 4 stars; one submission).

Conditions:
Asphyxiating thoracic dystrophy 3. Also called: SHORT-RIB THORACIC DYSPLASIA 3 WITH OR WITHOUT POLYDACTYLY; POLYDACTYLY WITH NEONATAL CHONDRODYSTROPHY, TYPE I; SHORT-RIB THORACIC DYSPLASIA 3/6 WITH POLYDACTYLY, DIGENIC; Short rib polydactyly syndrome 2B; Saldino-Noonan Syndrome. Identifiers: Orphanet 474, Orphanet 93269, Orphanet 93270, Orphanet 93271, MedGen C0036069, MONDO:0013127, OMIM 613091.

Submission:

Myriad Genetics, Inc.
Classification: Pathogenic for Asphyxiating thoracic dystrophy 3. Last evaluated: 2025-11-07. Review status: criteria provided, single submitter. Criteria: Myriad Autosomal Dominant, Autosomal Recessive and X-Linked Classification Criteria (2023). Collection method: clinical testing. Allele origin: unknown.
Comment: NM_001377.2(DYNC2H1):c.3774delT(T1259Qfs*20) is expected to be pathogenic in the context of DYNC2H1-related disorders. This variant is predicted to lead to an abnormal or absent protein product due to the creation of a premature termination codon in DYNC2H1, a gene where loss-of-function variants are known to be pathogenic. Please note: this variant was assessed in the context of healthy population screening.